The following is an entry in ClinVar:

ClinVar aggregate classification (germline): Uncertain significance (1 of 4 stars; one submission).

Submission:

GeneDx
Classification: Uncertain significance. Last evaluated: 2024-10-30. Review status: criteria provided, single submitter. Criteria: GeneDx Variant Classification Process June 2021. Collection method: clinical testing. Allele origin: germline. Affected: yes.
Comment: Not observed at significant frequency in large population cohorts (gnomAD); In silico analysis indicates that this missense variant does not alter protein structure/function; Has not been previously published as pathogenic or benign to our knowledge

NM_001273.5(CHD4):c.5659A>T (p.Met1887Leu)

Genes: CHD4 (chromodomain helicase DNA binding protein 4; minus strand), CHD4-AS1 (CHD4 antisense RNA 1; plus strand). Cytogenetic location: 12p13.31.
Variant type: single nucleotide variant.
Coding change: c.5659A>T on transcript NM_001273.5 (MANE Select); coding-DNA position 5659, A replaced by T.
Protein change: p.Met1887Leu; replaces methionine 1887 with leucine.
Molecular consequence: missense variant.
Genome position (GRCh38, 1-based): chr12:6,570,931, T>A on the plus strand (A>T on the coding strand, the complement: CHD4 is on the minus strand). VCF-style: chr12-6570931-T-A. GRCh37 (hg19) VCF-style: chr12-6680097-T-A.
Other names: c.5638A>T, p.Met1880Leu (NM_001297553.2); c.5629A>T, p.Met1877Leu (NM_001363606.2); short protein forms M1877L, M1880L, M1887L.
Identifiers: ClinVar variation 3897460 (VCV003897460.1).